The following is an entry in ClinVar:

ClinVar aggregate classification (germline): Uncertain significance (0 of 4 stars; one submission).

Conditions:
DNAH17-related disorder. Also called: DNAH17-related condition.

gnomAD v4.1: 37 of 1,612,914 alleles (0.0023%); highest among the groups gnomAD compares: Admixed American, 0.017%; no homozygotes.

Submission:

PreventionGenetics, part of Exact Sciences
Classification: Uncertain significance for DNAH17-related condition. Last evaluated: 2024-07-29. Review status: no assertion criteria provided. Collection method: clinical testing. Allele origin: germline.
Comment: The DNAH17 c.6460G>A variant is predicted to result in the amino acid substitution p.Ala2154Thr. To our knowledge, this variant has not been reported in the literature. This variant is reported in 0.046% of alleles in individuals of East Asian descent in gnomAD. At this time, the clinical significance of this variant is uncertain due to the absence of conclusive functional and genetic evidence.

NM_173628.4(DNAH17):c.6460G>A (p.Ala2154Thr)

Genes: DNAH17 (dynein axonemal heavy chain 17; minus strand), DNAH17-AS1 (DNAH17 antisense RNA 1; plus strand). Cytogenetic location: 17q25.3.
Variant type: single nucleotide variant.
Coding change: c.6460G>A on transcript NM_173628.4 (MANE Select); coding-DNA position 6460, G replaced by A.
Protein change: p.Ala2154Thr; replaces alanine 2154 with threonine.
Molecular consequence: missense variant.
Genome position (GRCh38, 1-based): chr17:78,492,714, C>T on the plus strand (G>A on the coding strand, the complement: DNAH17 is on the minus strand). VCF-style: chr17-78492714-C-T. GRCh37 (hg19) VCF-style: chr17-76488796-C-T.
Other names: short protein forms A2154T.
Identifiers: ClinVar variation 3357979 (VCV003357979.1).